The following is an entry in ClinVar:

NM_001355436.2(SPTB):c.149-2A>C

Gene: SPTB (spectrin beta, erythrocytic; minus strand). Cytogenetic location: 14q23.3.
Variant type: single nucleotide variant.
Coding change: c.149-2A>C on transcript NM_001355436.2 (MANE Select); the canonical splice acceptor site of the intron before coding-DNA position 149, A replaced by C.
Molecular consequence: splice acceptor variant.
Genome position (GRCh38, 1-based): chr14:64,805,092, T>G on the plus strand (A>C on the coding strand, the complement: SPTB is on the minus strand). VCF-style: chr14-64805092-T-G. GRCh37 (hg19) VCF-style: chr14-65271810-T-G.
Other names: c.149-2A>C (NM_001024858.4, NM_001355437.2).
Identifiers: ClinVar variation 4685650 (VCV004685650.1).
Genomic context (GRCh38, chr14:64,805,092, plus strand): 5'-AGCCAGGTGCGAGTTCACCCATTTCGTGAAGGTCTTTTTCTGAACAACTTCCCGCTCATC[T>G]AGGTGGAGAGAAGAACCTTGGTGAGGTGCCTGAGGTTGGCAGGGTCAGTGTGACATGGGG-3'

ClinVar aggregate classification (germline): Likely pathogenic (1 of 4 stars; one submission).

Submission:

ARUP Laboratories, Molecular Genetics and Genomics, ARUP Laboratories
Classification: Likely pathogenic. Last evaluated: 2025-02-26. Review status: criteria provided, single submitter. Criteria: ARUP Molecular Germline Variant Investigation Process 2024. Collection method: clinical testing. Allele origin: germline.
Comment: The SPTB c.149-2A>C variant, to our knowledge, is not reported in the medical literature or gene specific databases. This variant is also absent from the Genome Aggregation Database (v2.1.1), indicating it is not a common polymorphism. This variant disrupts the canonical splice acceptor site of intron 2, which is likely to negatively impact gene function. Based on available information, this variant is considered to be likely pathogenic.